The following is an entry in ClinVar:

ClinVar aggregate classification (germline): Likely benign. Review status: criteria provided, single submitter (1 of 4 stars). 2 submissions from 2 submitters: Likely benign (1). 1 of the submissions does not count toward it. Last evaluated 2024-04-25.

Conditions:
PRR12-related disorder. Also called: PRR12-related condition.

Allele frequency attached by ClinVar (database versions not stated): ESP Exome Variant Server 0.00008; TOPMed 0.00008; gnomAD 0.00031; ExAC 0.00085; 1000 Genomes Project 0.00260; 1000 Genomes Project 30x 0.00312.
gnomAD v4.1: 552 of 1,613,234 alleles (0.034%); highest among the groups gnomAD compares: South Asian, 0.53%; 2 homozygotes.

Submissions (2):

Blueprint Genetics
Classification: Likely benign. Last evaluated: 2024-04-25. Review status: criteria provided, single submitter. Criteria: ACMG Guidelines, 2015. Collection method: clinical testing. Allele origin: germline.

PreventionGenetics, part of Exact Sciences
Classification: Benign for PRR12-related condition. Last evaluated: 2021-10-27. Review status: no assertion criteria provided. Collection method: clinical testing. Allele origin: germline. Not counted in ClinVar's aggregate classification.
Comment: This variant is classified as benign based on ACMG/AMP sequence variant interpretation guidelines (Richards et al. 2015 PMID: 25741868, with internal and published modifications).

NM_020719.3(PRR12):c.315C>T (p.Ser105=)

Gene: PRR12 (proline rich 12; plus strand). Cytogenetic location: 19q13.33.
Variant type: single nucleotide variant.
Coding change: c.315C>T on transcript NM_020719.3 (MANE Select); coding-DNA position 315, C replaced by T.
Protein change: p.Ser105=; no amino-acid change (serine 105 retained).
Molecular consequence: synonymous variant.
Genome position (GRCh38, 1-based): chr19:49,594,569, C>T. VCF-style: chr19-49594569-C-T. GRCh37 (hg19) VCF-style: chr19-50097826-C-T.
Identifiers: ClinVar variation 3047137 (VCV003047137.3), dbSNP rs371603329, ClinGen allele CA9577606.